The following is an entry in ClinVar:

ClinVar aggregate classification (germline): Uncertain significance (1 of 4 stars; one submission).

Allele frequency attached by ClinVar (database versions not stated): TOPMed below 0.00001.
gnomAD v4.1: 2 of 1,609,432 alleles (0.00012%); highest among the groups gnomAD compares: Non-Finnish European, 0.00017%; no homozygotes.

Submission:

Labcorp Genetics (formerly Invitae), Labcorp
Classification: Uncertain significance. Last evaluated: 2022-09-06. Review status: criteria provided, single submitter. Criteria: Invitae Variant Classification Sherloc (09022015). Collection method: clinical testing. Allele origin: germline.
Comment: This sequence change replaces proline, which is neutral and non-polar, with leucine, which is neutral and non-polar, at codon 2598 of the FAT4 protein (p.Pro2598Leu). This variant is present in population databases (no rsID available, gnomAD 0.002%). This variant has not been reported in the literature in individuals affected with FAT4-related conditions. Advanced modeling of protein sequence and biophysical properties (such as structural, functional, and spatial information, amino acid conservation, physicochemical variation, residue mobility, and thermodynamic stability) performed at Invitae indicates that this missense variant is not expected to disrupt FAT4 protein function. In summary, the available evidence is currently insufficient to determine the role of this variant in disease. Therefore, it has been classified as a Variant of Uncertain Significance.

NM_001291303.3(FAT4):c.7799C>T (p.Pro2600Leu)

Gene: FAT4 (FAT atypical cadherin 4; plus strand). Cytogenetic location: 4q28.1.
Variant type: single nucleotide variant.
Coding change: c.7799C>T on transcript NM_001291303.3 (MANE Select); coding-DNA position 7799, C replaced by T.
Protein change: p.Pro2600Leu; replaces proline 2600 with leucine.
Molecular consequence: missense variant.
Genome position (GRCh38, 1-based): chr4:125,448,809, C>T. VCF-style: chr4-125448809-C-T. GRCh37 (hg19) VCF-style: chr4-126369964-C-T.
Other names: c.7799C>T, p.Pro2600Leu (NM_001291285.3); c.7793C>T, p.Pro2598Leu (NM_024582.6); short protein forms P2598L, P2600L.
Identifiers: ClinVar variation 1718894 (VCV001718894.3), dbSNP rs1378606538, ClinGen allele CA358141756.